The following is an entry in ClinVar:

ClinVar aggregate classification (germline): Uncertain significance (1 of 4 stars; one submission).

Conditions:
Atrial fibrillation, familial, 7 (ATFB7). Identifiers: MedGen C2677106, MONDO:0012828, OMIM 612240.

Submission:

Labcorp Genetics (formerly Invitae), Labcorp
Classification: Uncertain significance for Atrial fibrillation, familial, 7. Last evaluated: 2025-03-12. Review status: criteria provided, single submitter. Criteria: Invitae Variant Classification Sherloc (09022015). Collection method: clinical testing. Allele origin: germline.
Comment: This sequence change replaces glycine, which is neutral and non-polar, with valine, which is neutral and non-polar, at codon 19 of the KCNA5 protein (p.Gly19Val). This variant is not present in population databases (gnomAD no frequency). This variant has not been reported in the literature in individuals affected with KCNA5-related conditions. An algorithm developed to predict the effect of missense changes on protein structure and function (PolyPhen-2) suggests that this variant is likely to be tolerated. In summary, the available evidence is currently insufficient to determine the role of this variant in disease. Therefore, it has been classified as a Variant of Uncertain Significance.

NM_002234.4(KCNA5):c.56G>T (p.Gly19Val)

Gene: KCNA5 (potassium voltage-gated channel subfamily A member 5; plus strand). Cytogenetic location: 12p13.32.
Variant type: single nucleotide variant.
Coding change: c.56G>T on transcript NM_002234.4 (MANE Select); coding-DNA position 56, G replaced by T.
Protein change: p.Gly19Val; replaces glycine 19 with valine.
Molecular consequence: missense variant.
Genome position (GRCh38, 1-based): chr12:5,044,203, G>T. VCF-style: chr12-5044203-G-T. GRCh37 (hg19) VCF-style: chr12-5153369-G-T.
Other names: short protein forms G19V.
Identifiers: ClinVar variation 4765292 (VCV004765292.1).